The following is an entry in ClinVar:

ClinVar aggregate classification (germline): Pathogenic. Review status: criteria provided, multiple submitters, no conflicts (2 of 4 stars). 2 submissions from 2 submitters: Pathogenic (2). Last evaluated 2024-12-16.

Conditions:
Charcot-Marie-Tooth disease type 4. Also called: Charcot-Marie-Tooth disease, type IV; Charcot-Marie-Tooth, Type 4. Identifiers: Orphanet 64749, MedGen C4082197, MONDO:0018995.

Submissions (2):

GeneDx
Classification: Pathogenic. Last evaluated: 2024-12-16. Review status: criteria provided, single submitter. Criteria: GeneDx Variant Classification Process June 2021. Collection method: clinical testing. Allele origin: germline. Affected: yes.
Comment: Frameshift variant predicted to result in protein truncation or nonsense mediated decay in a gene for which loss of function is a known mechanism of disease; Not observed at significant frequency in large population cohorts (gnomAD); This variant is associated with the following publications: (PMID: 28902413)

Labcorp Genetics (formerly Invitae), Labcorp
Classification: Pathogenic for Charcot-Marie-Tooth disease type 4. Last evaluated: 2024-04-08. Review status: criteria provided, single submitter. Criteria: Invitae Variant Classification Sherloc (09022015). Collection method: clinical testing. Allele origin: germline.
Comment: This sequence change creates a premature translational stop signal (p.Gly560Glufs*21) in the SH3TC2 gene. It is expected to result in an absent or disrupted protein product. Loss-of-function variants in SH3TC2 are known to be pathogenic (PMID: 20220177, 27068304). This variant is not present in population databases (gnomAD no frequency). This premature translational stop signal has been observed in individual(s) with clinical features of Charcot-Marie-Tooth disease (PMID: 28902413). ClinVar contains an entry for this variant (Variation ID: 2152006). For these reasons, this variant has been classified as Pathogenic.

Literature cited by the submitters: PubMed 20220177 (cited by Labcorp Genetics (formerly Invitae), Labcorp); PubMed 27068304 (cited by Labcorp Genetics (formerly Invitae), Labcorp); PubMed 28902413 (cited by Labcorp Genetics (formerly Invitae), Labcorp).

NM_024577.4(SH3TC2):c.1679del (p.Gly560fs)

Gene: SH3TC2 (SH3 domain and tetratricopeptide repeats 2; minus strand). Cytogenetic location: 5q32.
Variant type: Deletion.
Coding change: c.1679del on transcript NM_024577.4 (MANE Select); coding-DNA position 1679, one base deleted (G; older notation c.1679delG).
Protein change: p.Gly560fs; shifts the reading frame from glycine 560.
Molecular consequence: frameshift variant.
Genome position (GRCh38, 1-based): chr5:149,028,053, C deleted on the plus strand (G on the coding strand, the reverse complement: SH3TC2 is on the minus strand); the first of 2 consecutive C bases (chr5:149,028,053-149,028,054); deleting either gives the same sequence. VCF-style (leftmost placement, unchanged base first): chr5-149028052-TC-T. GRCh37 (hg19) VCF-style: chr5-148407615-TC-T.
Other names: c.1678delG, p.Gly560Glufs (NM_024577.3); c.1679del (NM_024577.3); short protein forms G560fs.
Identifiers: ClinVar variation 2152006 (VCV002152006.5), dbSNP rs2531773461, ClinGen allele CA2580073860.
Genomic context (GRCh38, chr5:149,028,052, plus strand): 5'-CAGGTAGATGGCAGCCAAATTGATGTACAGAGTGGCCACCAAGGATAGGTCCTCAAATGC[TC>T]CATTGAGAATGTGGATGGCCTCCTCGAAGTACACCCTGGCCTGAGAGAGTTTGACCTTCC-3'